The following is an entry in ClinVar:

NM_002907.4(RECQL):c.701A>G (p.Asp234Gly)

Gene: RECQL (RecQ like helicase; minus strand). Cytogenetic location: 12p12.1.
Variant type: single nucleotide variant.
Coding change: c.701A>G on transcript NM_002907.4 (MANE Select); coding-DNA position 701, A replaced by G.
Protein change: p.Asp234Gly; replaces aspartic acid 234 with glycine.
Molecular consequence: missense variant.
Genome position (GRCh38, 1-based): chr12:21,477,969, T>C on the plus strand (A>G on the coding strand, the complement: RECQL is on the minus strand). VCF-style: chr12-21477969-T-C. GRCh37 (hg19) VCF-style: chr12-21630903-T-C.
Other names: c.701A>G, p.Asp234Gly (NM_032941.3); short protein forms D234G.
Identifiers: ClinVar variation 1054791 (VCV001054791.15), dbSNP rs904918008, ClinGen allele CA233571188.

ClinVar aggregate classification (germline): Uncertain significance. Review status: criteria provided, multiple submitters, no conflicts (2 of 4 stars). 3 submissions from 3 submitters: Uncertain significance (3). Last evaluated 2025-05-07.

Allele frequency attached by ClinVar (database versions not stated): gnomAD exomes below 0.00001 and 0.00001; gnomAD 0.00001; TOPMed 0.00002.
gnomAD v4.1: 17 of 1,595,218 alleles (0.0011%); highest among the groups gnomAD compares: Non-Finnish European, 0.0014%; no homozygotes.

Submissions (3):

Ambry Genetics
Classification: Uncertain significance. Last evaluated: 2025-05-07. Review status: criteria provided, single submitter. Criteria: Ambry Variant Classification Scheme 2023. Collection method: clinical testing. Allele origin: germline.
Comment: The p.D234G variant (also known as c.701A>G) is located in coding exon 6 of the RECQL gene, results from a A to G substitution at nucleotide position 701. This variant impacts the first base pair of coding exon 6. The aspartic acid at codon 234 is replaced by glycine, an amino acid with similar properties. This amino acid position is highly conserved in available vertebrate species. In addition, the in silico prediction for this alteration is inconclusive. Since supporting evidence is limited at this time, the clinical significance of this alteration remains unclear.

Labcorp Genetics (formerly Invitae), Labcorp
Classification: Uncertain significance. Last evaluated: 2024-10-15. Review status: criteria provided, single submitter. Criteria: Invitae Variant Classification Sherloc (09022015). Collection method: clinical testing. Allele origin: germline.
Comment: This sequence change replaces aspartic acid, which is acidic and polar, with glycine, which is neutral and non-polar, at codon 234 of the RECQL protein (p.Asp234Gly). This variant is present in population databases (no rsID available, gnomAD 0.0009%). This variant has not been reported in the literature in individuals affected with RECQL-related conditions. ClinVar contains an entry for this variant (Variation ID: 1054791). An algorithm developed to predict the effect of missense changes on protein structure and function (PolyPhen-2) suggests that this variant is likely to be disruptive. In summary, the available evidence is currently insufficient to determine the role of this variant in disease. Therefore, it has been classified as a Variant of Uncertain Significance.

GeneDx
Classification: Uncertain significance. Last evaluated: 2023-05-23. Review status: criteria provided, single submitter. Criteria: GeneDx Variant Classification Process June 2021. Collection method: clinical testing. Allele origin: germline.
Comment: Not observed at significant frequency in large population cohorts (gnomAD); In silico analysis supports that this missense variant has a deleterious effect on protein structure/function; Has not been previously published as pathogenic or benign to our knowledge; Variants in candidate genes are classified as variants of uncertain significance in accordance with ACMG guidelines (PMID: 25741868); This variant is associated with the following publications: (PMID: 19151156, 27248010)